The following is an entry in ClinVar:

ClinVar aggregate classification (germline): Uncertain significance (1 of 4 stars; one submission).

Conditions:
Early-infantile DEE. Also called: Ohtahara syndrome; Early infantile epileptic encephalopathy; Early infantile epileptic encephalopathy with suppression bursts. Identifiers: Orphanet 1934, MedGen C0393706, MONDO:0800491.

Allele frequency attached by ClinVar (database versions not stated): gnomAD exomes below 0.00001; 1000 Genomes Project 30x 0.00016.

Submission:

Labcorp Genetics (formerly Invitae), Labcorp
Classification: Uncertain significance for Early-infantile DEE. Last evaluated: 2022-07-29. Review status: criteria provided, single submitter. Criteria: Invitae Variant Classification Sherloc (09022015). Collection method: clinical testing. Allele origin: germline.
Comment: This sequence change replaces leucine, which is neutral and non-polar, with proline, which is neutral and non-polar, at codon 942 of the KCNH5 protein (p.Leu942Pro). This variant is not present in population databases (gnomAD no frequency). This variant has not been reported in the literature in individuals affected with KCNH5-related conditions. Algorithms developed to predict the effect of missense changes on protein structure and function are either unavailable or do not agree on the potential impact of this missense change (SIFT: "Deleterious"; PolyPhen-2: "Probably Damaging"; Align-GVGD: "Class C0"). In summary, the available evidence is currently insufficient to determine the role of this variant in disease. Therefore, it has been classified as a Variant of Uncertain Significance.

NM_139318.5(KCNH5):c.2825T>C (p.Leu942Pro)

Gene: KCNH5 (potassium voltage-gated channel subfamily H member 5; minus strand). Cytogenetic location: 14q23.2.
Variant type: single nucleotide variant.
Coding change: c.2825T>C on transcript NM_139318.5 (MANE Select); coding-DNA position 2825, T replaced by C.
Protein change: p.Leu942Pro; replaces leucine 942 with proline.
Molecular consequence: missense variant. On other transcripts: 3 prime UTR variant (1).
Genome position (GRCh38, 1-based): chr14:62,707,650, A>G on the plus strand (T>C on the coding strand, the complement: KCNH5 is on the minus strand). VCF-style: chr14-62707650-A-G. GRCh37 (hg19) VCF-style: chr14-63174368-A-G.
Other names: c.*792T>C (NM_172375.3); short protein forms L942P.
Identifiers: ClinVar variation 2048289 (VCV002048289.4), dbSNP rs2139898488, ClinGen allele CA390099747.